The following is an entry in ClinVar:

ClinVar aggregate classification (germline): Benign/Likely benign. Review status: criteria provided, multiple submitters, no conflicts (2 of 4 stars). 2 submissions from 2 submitters: Benign (1); Likely benign (1). Last evaluated 2025-01-24.

Conditions:
Lynch syndrome 4 (LYNCH4). Also called: Colorectal cancer, hereditary nonpolyposis, type 4; Hereditary non-polyposis colorectal cancer, type 4. Identifiers: Orphanet 144, MedGen C1838333, MONDO:0013699, OMIM 614337. Disease mechanism: loss of function.

Submissions (2):

Myriad Genetics, Inc.
Classification: Benign for Lynch syndrome 4. Last evaluated: 2025-01-24. Review status: criteria provided, single submitter. Criteria: Myriad Autosomal Dominant, Autosomal Recessive and X-Linked Classification Criteria (2023). Collection method: clinical testing. Allele origin: unknown.
Comment: This variant is considered benign. This variant is a silent/synonymous amino acid change and it is not expected to impact splicing.

Women's Health and Genetics/Laboratory Corporation of America, LabCorp
Classification: Likely benign. Last evaluated: 2020-02-27. Review status: criteria provided, single submitter. Criteria: LabCorp Variant Classification Summary - May 2015. Collection method: clinical testing. Allele origin: germline.

NM_000535.7(PMS2):c.411T>C (p.Phe137=)

Gene: PMS2 (PMS1 homolog 2, mismatch repair system component; minus strand). Cytogenetic location: 7p22.1.
Variant type: single nucleotide variant.
Coding change: c.411T>C on transcript NM_000535.7 (MANE Select); coding-DNA position 411, T replaced by C.
Protein change: p.Phe137=; no amino-acid change (phenylalanine 137 retained).
Molecular consequence: synonymous variant. On other transcripts: 5 prime UTR variant (2), non-coding transcript variant (1).
Genome position (GRCh38, 1-based): chr7:6,002,579, A>G on the plus strand (T>C on the coding strand, the complement: PMS2 is on the minus strand). VCF-style: chr7-6002579-A-G. GRCh37 (hg19) VCF-style: chr7-6042210-A-G.
Other names: c.6T>C, p.Phe2= (NM_001322003.2, NM_001322004.2, NM_001322005.2 and 3 more transcripts); c.411T>C, p.Phe137= (NM_001322006.2, NM_001322014.2); c.93T>C, p.Phe31= (NM_001322007.2, NM_001322008.2); c.-474T>C (NM_001322011.2, NM_001322012.2); c.102T>C, p.Phe34= (NM_001322015.2).
Identifiers: ClinVar variation 917685 (VCV000917685.2), dbSNP rs1785222735, ClinGen allele CA453647678.